The following is an entry in ClinVar:

ClinVar aggregate classification (germline): Conflicting classifications of pathogenicity. Review status: criteria provided, conflicting classifications (1 of 4 stars). 7 submissions from 7 submitters: Pathogenic (3); Uncertain significance (1). 3 of the submissions do not count toward it. Last evaluated 2025-05-14.

Conditions:
Intellectual developmental disorder, X-linked, syndromic, Turner type. Also called: Intellectual disability, X-linked syndromic, Turner type; X-linked intellectual disability, Turner type. Identifiers: Orphanet 3056, Orphanet 85328, MedGen C2678046, MONDO:0010407, OMIM 309590.

Submissions (7):

Dasa
Classification: Pathogenic. Last evaluated: 2025-05-14. Review status: criteria provided, single submitter. Criteria: DASA Assertion Criteria. Collection method: clinical testing. Allele origin: germline.
Comment: NM_031407.7(HUWE1):c.328C>T (p.Arg110Trp) is a missense variant that results in the substitution of arginine with tryptophan. The affected residue or protein region has prior evidence supporting clinical relevance. De novo occurrence has been reported in an individual with related phenotype. This variant has been recurrently observed in individuals with related phenotype (PMID: 27884935; PMID: 29307790; PMID: 25590979). Multiple computational predictions support a deleterious effect on the gene or gene product. The variant is present at low frequency in population datasets. Based on the available data, this variant is classified as pathogenic.

Duke University Health System Sequencing Clinic, Duke University Health System
Classification: Pathogenic for Intellectual developmental disorder, X-linked, syndromic, Turner type. Last evaluated: 2023-04-20. Review status: criteria provided, single submitter. Criteria: ACMG Guidelines, 2015. Collection method: research. Allele origin: de novo. Affected: yes.

GeneDx
Classification: Pathogenic. Last evaluated: 2023-03-29. Review status: criteria provided, single submitter. Criteria: GeneDx Variant Classification Process June 2021. Collection method: clinical testing. Allele origin: germline. Affected: yes.
Comment: Not observed at significant frequency in large population cohorts (gnomAD); In silico analysis supports that this missense variant has a deleterious effect on protein structure/function; This variant is associated with the following publications: (PMID: 29307790, 27884935, 25985138, 25590979, 29180823)

Genetic Services Laboratory, University of Chicago
Classification: Uncertain significance. Last evaluated: 2015-09-18. Review status: criteria provided, single submitter. Criteria: ACMG Guidelines, 2015. Collection method: clinical testing. Allele origin: germline. Affected: no.

OMIM
Classification: Pathogenic for INTELLECTUAL DEVELOPMENTAL DISORDER, X-LINKED, SYNDROMIC, TURNER TYPE. Last evaluated: 2021-08-20. Review status: no assertion criteria provided. Collection method: literature only. Allele origin: germline. Not counted in ClinVar's aggregate classification.

Diagnostic Laboratory, Department of Genetics, University Medical Center Groningen
Classification: Likely pathogenic. Review status: no assertion criteria provided. Collection method: clinical testing. Allele origin: germline. Affected: yes. Study: VKGL Data-share Consensus. Not counted in ClinVar's aggregate classification.

Genome Diagnostics Laboratory, Amsterdam University Medical Center
Classification: Likely pathogenic. Review status: no assertion criteria provided. Collection method: clinical testing. Allele origin: germline. Affected: yes. Study: VKGL Data-share Consensus. Not counted in ClinVar's aggregate classification.

Literature cited by the submitters: PubMed 27884935 (cited by Dasa and OMIM); PubMed 29307790 (cited by Dasa); PubMed 25590979 (cited by Dasa and Duke University Health System Sequencing Clinic, Duke University Health System); PubMed 25985138 (cited by OMIM).

NM_031407.7(HUWE1):c.328C>T (p.Arg110Trp)

Gene: HUWE1 (HECT, UBA and WWE domain containing E3 ubiquitin protein ligase 1; minus strand). Cytogenetic location: Xp11.22.
Variant type: single nucleotide variant.
Coding change: c.328C>T on transcript NM_031407.7 (MANE Select); coding-DNA position 328, C replaced by T.
Protein change: p.Arg110Trp; replaces arginine 110 with tryptophan.
Molecular consequence: missense variant.
Genome position (GRCh38, 1-based): chrX:53,647,391, G>A on the plus strand (C>T on the coding strand, the complement: HUWE1 is on the minus strand). VCF-style: chrX-53647391-G-A. GRCh37 (hg19) VCF-style: chrX-53674334-G-A.
Other names: short protein forms R110W.
Identifiers: ClinVar variation 379239 (VCV000379239.16), dbSNP rs1057520538, ClinGen allele CA16608952.